The following is an entry in ClinVar:

ClinVar aggregate classification (germline): Uncertain significance (1 of 4 stars; one submission).

Conditions:
Pyogenic bacterial infections due to MyD88 deficiency (IMD68). Also called: PYOGENIC BACTERIAL INFECTIONS, RECURRENT, DUE TO MYD88 DEFICIENCY. Identifiers: Orphanet 183713, MedGen C2677092, MONDO:0012839, OMIM 612260.

Allele frequency attached by ClinVar (database versions not stated): TOPMed 0.00001; gnomAD 0.00001.
gnomAD v4.1: 14 of 1,608,896 alleles (0.00087%); highest among the groups gnomAD compares: Non-Finnish European, 0.0011%; no homozygotes.

Submission:

Labcorp Genetics (formerly Invitae), Labcorp
Classification: Uncertain significance for Pyogenic bacterial infections due to MyD88 deficiency. Last evaluated: 2021-08-31. Review status: criteria provided, single submitter. Criteria: Invitae Variant Classification Sherloc (09022015). Collection method: clinical testing. Allele origin: germline.
Comment: This sequence change replaces proline with arginine at codon 26 of the MYD88 protein (p.Pro26Arg). The proline residue is weakly conserved and there is a moderate physicochemical difference between proline and arginine. This variant is present in population databases (rs587778545, ExAC 0.002%). This variant has not been reported in the literature in individuals affected with MYD88-related conditions. Algorithms developed to predict the effect of missense changes on protein structure and function output the following: SIFT: "Tolerated"; PolyPhen-2: "Probably Damaging"; Align-GVGD: "Class C0". The arginine amino acid residue is found in multiple mammalian species, which suggests that this missense change does not adversely affect protein function. In summary, the available evidence is currently insufficient to determine the role of this variant in disease. Therefore, it has been classified as a Variant of Uncertain Significance.

NM_002468.5(MYD88):c.38C>G (p.Pro13Arg)

Gene: MYD88 (MYD88 innate immune signal transduction adaptor; plus strand). Cytogenetic location: 3p22.2.
Variant type: single nucleotide variant.
Coding change: c.38C>G on transcript NM_002468.5 (MANE Select); coding-DNA position 38, C replaced by G.
Protein change: p.Pro13Arg; replaces proline 13 with arginine.
Molecular consequence: missense variant.
Genome position (GRCh38, 1-based): chr3:38,138,738, C>G. VCF-style: chr3-38138738-C-G. GRCh37 (hg19) VCF-style: chr3-38180229-C-G.
Other names: c.38C>G, p.Pro13Arg (NM_001172566.2, NM_001172567.2, NM_001172568.2 and 4 more transcripts); short protein forms P13R.
Identifiers: ClinVar variation 1525607 (VCV001525607.5), dbSNP rs587778545, ClinGen allele CA2316019.